The following is an entry in ClinVar:

ClinVar aggregate classification (germline): Uncertain significance. Review status: criteria provided, multiple submitters, no conflicts (2 of 4 stars). 2 submissions from 2 submitters: Uncertain significance (2). Last evaluated 2025-10-15.

Conditions:
Inborn genetic diseases. Identifiers: MedGen C0950123, MeSH D030342.
Epidermolysis bullosa simplex 5B, with muscular dystrophy (EBS5B). Also called: EPIDERMOLYSIS BULLOSA SIMPLEX AND LIMB-GIRDLE MUSCULAR DYSTROPHY; Epidermolysis bullosa simplex with muscular dystrophy. Identifiers: Orphanet 257, MedGen C2931072, MONDO:0009181, OMIM 226670.
Epidermolysis bullosa simplex, Ogna type (EBS5A). Also called: EPIDERMOLYSIS BULLOSA SIMPLEX 5A, OGNA TYPE; Pidermolysis bullosa simplex 5A, Ogna type. Identifiers: Orphanet 79401, MedGen C0432317, MONDO:0007555, OMIM 131950.
Epidermolysis bullosa simplex with nail dystrophy (EBS5D). Identifiers: MedGen C4225309, MONDO:0014661, OMIM 616487.
Autosomal recessive limb-girdle muscular dystrophy type 2Q (LGMDR17). Also called: MUSCULAR DYSTROPHY, LIMB-GIRDLE, AUTOSOMAL RECESSIVE 17. Identifiers: Orphanet 254361, MedGen C3150989, MONDO:0013390, OMIM 613723.
Epidermolysis bullosa simplex 5C, with pyloric atresia (EBS5C). Also called: Epidermolysis bullosa simplex with pyloric atresia; PLEC-Related Epidermolysis Bullosa with Pyloric Atresia; PLEC1-Related Epidermolysis Bullosa with Pyloric Atresia. Identifiers: Orphanet 158684, MedGen C2677349, MONDO:0012807, OMIM 612138.

Allele frequency attached by ClinVar (database versions not stated): ESP Exome Variant Server 0.00008.
gnomAD v4.1: 34 of 1,613,056 alleles (0.0021%); highest among the groups gnomAD compares: African/African-American, 0.024%; no homozygotes.

Submissions (2):

Labcorp Genetics (formerly Invitae), Labcorp
Classification: Uncertain significance for Autosomal recessive limb-girdle muscular dystrophy type 2Q; Epidermolysis bullosa simplex, Ogna type; Epidermolysis bullosa simplex with nail dystrophy; Epidermolysis bullosa simplex 5C, with pyloric atresia; Epidermolysis bullosa simplex 5B, with muscular dystrophy. Last evaluated: 2025-10-15. Review status: criteria provided, single submitter. Criteria: Invitae Variant Classification Sherloc (09022015). Collection method: clinical testing. Allele origin: germline.
Comment: This sequence change replaces valine, which is neutral and non-polar, with methionine, which is neutral and non-polar, at codon 3270 of the PLEC protein (p.Val3270Met). This variant is present in population databases (rs377156107, gnomAD 0.03%). This variant has not been reported in the literature in individuals affected with PLEC-related conditions. ClinVar contains an entry for this variant (Variation ID: 1417970). An algorithm developed to predict the effect of missense changes on protein structure and function outputs the following: PolyPhen-2: "Benign". The methionine amino acid residue is found in multiple mammalian species, which suggests that this missense change does not adversely affect protein function. In summary, the available evidence is currently insufficient to determine the role of this variant in disease. Therefore, it has been classified as a Variant of Uncertain Significance.

Ambry Genetics
Classification: Uncertain significance for Inborn genetic diseases. Last evaluated: 2024-12-07. Review status: criteria provided, single submitter. Criteria: Ambry Variant Classification Scheme 2023. Collection method: clinical testing. Allele origin: germline.

NM_201384.3(PLEC):c.9727G>A (p.Val3243Met)

Gene: PLEC (plectin; minus strand). Cytogenetic location: 8q24.3.
Variant type: single nucleotide variant.
Coding change: c.9727G>A on transcript NM_201384.3 (MANE Select); coding-DNA position 9727, G replaced by A.
Protein change: p.Val3243Met; replaces valine 3243 with methionine.
Molecular consequence: missense variant.
Genome position (GRCh38, 1-based): chr8:143,920,094, C>T on the plus strand (G>A on the coding strand, the complement: PLEC is on the minus strand). VCF-style: chr8-143920094-C-T. GRCh37 (hg19) VCF-style: chr8-144994262-C-T.
Other names: c.9808G>A (NM_000445.3); c.9808G>A, p.Val3270Met (NM_000445.5); c.9685G>A, p.Val3229Met (NM_201378.4); c.9661G>A, p.Val3221Met (NM_201379.3); c.10138G>A, p.Val3380Met (NM_201380.4); c.9631G>A, p.Val3211Met (NM_201381.3); c.9727G>A, p.Val3243Met (NM_201382.4); c.9739G>A, p.Val3247Met (NM_201383.3); short protein forms V3221M, V3211M, V3229M, V3247M, V3270M, V3243M, V3380M.
Identifiers: ClinVar variation 1417970 (VCV001417970.7), dbSNP rs377156107, ClinGen allele CA4924872.